The following is an entry in ClinVar:

NM_001382567.1(STIM1):c.134C>G (p.Ala45Gly)

Gene: STIM1 (stromal interaction molecule 1; plus strand). Cytogenetic location: 11p15.4.
Variant type: single nucleotide variant.
Coding change: c.134C>G on transcript NM_001382567.1 (MANE Select); coding-DNA position 134, C replaced by G.
Protein change: p.Ala45Gly; replaces alanine 45 with glycine.
Molecular consequence: missense variant. On other transcripts: 5 prime UTR variant (1), non-coding transcript variant (3), intron variant (10).
Genome position (GRCh38, 1-based): chr11:3,856,404, C>G. VCF-style: chr11-3856404-C-G. GRCh37 (hg19) VCF-style: chr11-3877634-C-G.
Other names: c.134C>G, p.Ala45Gly (NM_001277961.3, NM_001277962.2, NM_001382568.1 and 3 more transcripts); c.130C>G, p.Gln44Glu (NM_001382569.1); c.-104C>G (NM_001382571.1); c.-84+1668C>G (NM_001382578.1, NM_001382575.1, NM_001382574.1); c.-220+1668C>G (NM_001382580.1, NM_001382581.1); c.-84+1750C>G (NM_001382576.1); c.-84+988C>G (NM_001382566.1, NM_001382579.1, NM_001382577.1 and 1 more transcripts); short protein forms A45G, Q44E.
Identifiers: ClinVar variation 2167927 (VCV002167927.5), dbSNP rs2090371351, ClinGen allele CA379196551.

ClinVar aggregate classification (germline): Uncertain significance. Review status: criteria provided, multiple submitters, no conflicts (2 of 4 stars). 2 submissions from 2 submitters: Uncertain significance (2). Last evaluated 2024-01-15.

Conditions:
Inborn genetic diseases. Identifiers: MedGen C0950123, MeSH D030342.
Stormorken syndrome (STRMK). Also called: THROMBOCYTOPATHY, ASPLENIA, AND MIOSIS. Identifiers: Orphanet 3204, MedGen C1861451, MONDO:0008497, OMIM 185070.
Combined immunodeficiency due to STIM1 deficiency. Also called: STIM1 DEFICIENCY; IMMUNODEFICIENCY 10. Identifiers: Orphanet 169090, Orphanet 317430, MedGen C2748557, MONDO:0013008, OMIM 612783.
Myopathy with tubular aggregates (TAM). Also called: Tubular Aggregate Myopathy. Identifiers: Orphanet 2593, MedGen C0410207, MONDO:0008051.

Allele frequency attached by ClinVar (database versions not stated): gnomAD exomes below 0.00001; TOPMed 0.00001.

Submissions (2):

Labcorp Genetics (formerly Invitae), Labcorp
Classification: Uncertain significance for Myopathy with tubular aggregates; Combined immunodeficiency due to STIM1 deficiency; Stormorken syndrome. Last evaluated: 2024-01-15. Review status: criteria provided, single submitter. Criteria: Invitae Variant Classification Sherloc (09022015). Collection method: clinical testing. Allele origin: germline.
Comment: This sequence change replaces alanine, which is neutral and non-polar, with glycine, which is neutral and non-polar, at codon 45 of the STIM1 protein (p.Ala45Gly). This variant is not present in population databases (gnomAD no frequency). This variant has not been reported in the literature in individuals affected with STIM1-related conditions. ClinVar contains an entry for this variant (Variation ID: 2167927). Advanced modeling of protein sequence and biophysical properties (such as structural, functional, and spatial information, amino acid conservation, physicochemical variation, residue mobility, and thermodynamic stability) has been performed at Invitae for this missense variant, however the output from this modeling did not meet the statistical confidence thresholds required to predict the impact of this variant on STIM1 protein function. In summary, the available evidence is currently insufficient to determine the role of this variant in disease. Therefore, it has been classified as a Variant of Uncertain Significance.

Ambry Genetics
Classification: Uncertain significance for Inborn genetic diseases. Last evaluated: 2022-08-17. Review status: criteria provided, single submitter. Criteria: Ambry Variant Classification Scheme 2023. Collection method: clinical testing. Allele origin: germline.